The following is an entry in ClinVar:

ClinVar aggregate classification (germline): Likely pathogenic (1 of 4 stars; one submission).

gnomAD v4.1: 5 of 1,550,650 alleles (0.00032%); highest among the groups gnomAD compares: Non-Finnish European, 0.00044%; no homozygotes.

Submission:

Labcorp Genetics (formerly Invitae), Labcorp
Classification: Likely pathogenic. Last evaluated: 2025-05-20. Review status: criteria provided, single submitter. Criteria: Invitae Variant Classification Sherloc (09022015). Collection method: clinical testing. Allele origin: germline.
Comment: This sequence change affects a donor splice site in intron 11 of the CPLANE1 gene. It is expected to disrupt RNA splicing. Variants that disrupt the donor or acceptor splice site typically lead to a loss of protein function (PMID: 16199547), and loss-of-function variants in CPLANE1 are known to be pathogenic (PMID: 24178751, 26092869). This variant is present in population databases (no rsID available, gnomAD 0.03%). This variant has not been reported in the literature in individuals affected with CPLANE1-related conditions. Algorithms developed to predict the effect of sequence changes on RNA splicing suggest that this variant may disrupt the consensus splice site. In summary, the currently available evidence indicates that the variant is pathogenic, but additional data are needed to prove that conclusively. Therefore, this variant has been classified as Likely Pathogenic.

Literature cited by the submitters: PubMed 16199547; PubMed 24178751; PubMed 26092869.

NM_001384732.1(CPLANE1):c.1521+2T>A

Gene: CPLANE1 (ciliogenesis and planar polarity effector complex subunit 1; minus strand). Cytogenetic location: 5p13.2.
Variant type: single nucleotide variant.
Coding change: c.1521+2T>A on transcript NM_001384732.1 (MANE Select); the canonical splice donor site of the intron after coding-DNA position 1521, T replaced by A.
Molecular consequence: splice donor variant.
Genome position (GRCh38, 1-based): chr5:37,227,241, A>T on the plus strand (T>A on the coding strand, the complement: CPLANE1 is on the minus strand). VCF-style: chr5-37227241-A-T. GRCh37 (hg19) VCF-style: chr5-37227343-A-T.
Other names: c.1521+2T>A (NM_023073.4).
Identifiers: ClinVar variation 4719048 (VCV004719048.1).
Genomic context (GRCh38, chr5:37,227,241, plus strand): 5'-AATATGTTTCTTGGAATAAAGTCATAATTGTTCCAAGTAAATAAAATTCTGCTGCTAAGT[A>T]CCTGAAAATCTGCTGCATTTTCATTTATTGTTTCTTCTGCCTGCAAGAATTTGGGGACAG-3'